The following is an entry in ClinVar:

ClinVar aggregate classification (germline): Uncertain significance (1 of 4 stars; one submission).

Conditions:
Hereditary cancer-predisposing syndrome. Also called: Hereditary Cancer Syndrome; Neoplastic Syndromes, Hereditary; Tumor predisposition; Hereditary neoplastic syndrome. Identifiers: Orphanet 140162, MedGen C0027672, MeSH D009386, MONDO:0015356.

Submission:

Ambry Genetics
Classification: Uncertain significance for Hereditary cancer-predisposing syndrome. Last evaluated: 2026-08-10. Review status: criteria provided, single submitter. Criteria: Ambry Variant Classification Scheme 2023. Collection method: clinical testing. Allele origin: germline.
Comment: The p.R373K variant (also known as c.1118G>A), located in coding exon 4 of the ALK gene, results from a G to A substitution at nucleotide position 1118. The arginine at codon 373 is replaced by lysine, an amino acid with highly similar properties. This amino acid position is conserved. In addition, this alteration is predicted to be tolerated by in silico analysis. Based on the available evidence, the clinical significance of this variant remains unclear.

NM_004304.5(ALK):c.1118G>A (p.Arg373Lys)

Gene: ALK (ALK receptor tyrosine kinase; minus strand). Cytogenetic location: 2p23.2.
Variant type: single nucleotide variant.
Coding change: c.1118G>A on transcript NM_004304.5 (MANE Select); coding-DNA position 1118, G replaced by A.
Protein change: p.Arg373Lys; replaces arginine 373 with lysine.
Molecular consequence: missense variant.
Genome position (GRCh38, 1-based): chr2:29,531,951, C>T on the plus strand (G>A on the coding strand, the complement: ALK is on the minus strand). VCF-style: chr2-29531951-C-T. GRCh37 (hg19) VCF-style: chr2-29754817-C-T.
Other names: short protein forms R373K.
Identifiers: ClinVar variation 5035468 (VCV005035468.1).